The following is an entry in ClinVar:

NM_000553.6(WRN):c.2927A>C (p.Lys976Thr)

Gene: WRN (WRN RecQ like helicase; plus strand). Cytogenetic location: 8p12.
Variant type: single nucleotide variant.
Coding change: c.2927A>C on transcript NM_000553.6 (MANE Select); coding-DNA position 2927, A replaced by C.
Protein change: p.Lys976Thr; replaces lysine 976 with threonine.
Molecular consequence: missense variant.
Genome position (GRCh38, 1-based): chr8:31,132,466, A>C. VCF-style: chr8-31132466-A-C. GRCh37 (hg19) VCF-style: chr8-30989982-A-C.
Other names: short protein forms K976T.
Identifiers: ClinVar variation 2733993 (VCV002733993.3), dbSNP rs1802219508, ClinGen allele CA370919156.

ClinVar aggregate classification (germline): Uncertain significance (1 of 4 stars; one submission).

Conditions:
Werner syndrome (WRN). Identifiers: Orphanet 902, MedGen C0043119, MONDO:0010196, OMIM 277700.

Allele frequency attached by ClinVar (database versions not stated): TOPMed below 0.00001; gnomAD 0.00001.
gnomAD v4.1: 2 of 1,614,016 alleles (0.00012%); highest among the groups gnomAD compares: African/African-American, 0.0013%; no homozygotes.

Submission:

Labcorp Genetics (formerly Invitae), Labcorp
Classification: Uncertain significance for Werner syndrome. Last evaluated: 2023-10-20. Review status: criteria provided, single submitter. Criteria: Invitae Variant Classification Sherloc (09022015). Collection method: clinical testing. Allele origin: germline.
Comment: This sequence change replaces lysine, which is basic and polar, with threonine, which is neutral and polar, at codon 976 of the WRN protein (p.Lys976Thr). This variant is not present in population databases (gnomAD no frequency). This variant has not been reported in the literature in individuals affected with WRN-related conditions. An algorithm developed to predict the effect of missense changes on protein structure and function (PolyPhen-2) suggests that this variant is likely to be disruptive. In summary, the available evidence is currently insufficient to determine the role of this variant in disease. Therefore, it has been classified as a Variant of Uncertain Significance.